The following is an entry in ClinVar:

NM_015909.4(NBAS):c.796G>A (p.Ala266Thr)

Gene: NBAS (NBAS subunit of NRZ tethering complex; minus strand). Cytogenetic location: 2p24.3.
Variant type: single nucleotide variant.
Coding change: c.796G>A on transcript NM_015909.4 (MANE Select); coding-DNA position 796, G replaced by A.
Protein change: p.Ala266Thr; replaces alanine 266 with threonine.
Molecular consequence: missense variant. On other transcripts: non-coding transcript variant (1).
Genome position (GRCh38, 1-based): chr2:15,511,301, C>T on the plus strand (G>A on the coding strand, the complement: NBAS is on the minus strand). VCF-style: chr2-15511301-C-T. GRCh37 (hg19) VCF-style: chr2-15651425-C-T.
Other names: short protein forms A266T.
Identifiers: ClinVar variation 2799425 (VCV002799425.3), dbSNP rs761523078, ClinGen allele CA345898597.

ClinVar aggregate classification (germline): Uncertain significance (1 of 4 stars; one submission).

gnomAD v4.1: 1 of 1,614,066 alleles (0.000062%); no homozygotes.

Submission:

Labcorp Genetics (formerly Invitae), Labcorp
Classification: Uncertain significance. Last evaluated: 2023-01-22. Review status: criteria provided, single submitter. Criteria: Invitae Variant Classification Sherloc (09022015). Collection method: clinical testing. Allele origin: germline.
Comment: This variant is present in population databases (no rsID available, gnomAD no frequency). In summary, the available evidence is currently insufficient to determine the role of this variant in disease. Therefore, it has been classified as a Variant of Uncertain Significance. Advanced modeling of protein sequence and biophysical properties (such as structural, functional, and spatial information, amino acid conservation, physicochemical variation, residue mobility, and thermodynamic stability) performed at Invitae indicates that this missense variant is not expected to disrupt NBAS protein function. This variant has not been reported in the literature in individuals affected with NBAS-related conditions. This sequence change replaces alanine, which is neutral and non-polar, with threonine, which is neutral and polar, at codon 266 of the NBAS protein (p.Ala266Thr).